The following is an entry in ClinVar:

ClinVar aggregate classification (germline): Pathogenic. Review status: criteria provided, multiple submitters, no conflicts (2 of 4 stars). 2 submissions from 2 submitters: Pathogenic (2). Last evaluated 2024-05-09.

Conditions:
Ocular albinism, type I (OA1). Also called: Ocular Albinism type 1; X-linked recessive ocular albinism; NETTLESHIP-FALLS TYPE OCULAR ALBINISM; Ocular albinism, type I, Nettleship-Falls type. Identifiers: Orphanet 54, MedGen C0342684, MONDO:0021019, OMIM 300500.

Submissions (2):

Labcorp Genetics (formerly Invitae), Labcorp
Classification: Pathogenic. Last evaluated: 2024-05-09. Review status: criteria provided, single submitter. Criteria: Invitae Variant Classification Sherloc (09022015). Collection method: clinical testing. Allele origin: germline.
Comment: This sequence change affects a donor splice site in intron 2 of the GPR143 gene. It is expected to disrupt RNA splicing. Variants that disrupt the donor or acceptor splice site typically lead to a loss of protein function (PMID: 16199547), and loss-of-function variants in GPR143 are known to be pathogenic (PMID: 15965158, 18978956, 19390656, 21541274, 26160353, 28211458). This variant is not present in population databases (gnomAD no frequency). Disruption of this splice site has been observed in individuals with ocular albinism (PMID: 34838614, 35052368). ClinVar contains an entry for this variant (Variation ID: 1308636). Algorithms developed to predict the effect of sequence changes on RNA splicing suggest that this variant may disrupt the consensus splice site. For these reasons, this variant has been classified as Pathogenic.

Equipe Genetique des Anomalies du Developpement, Université de Bourgogne
Classification: Pathogenic for Ocular albinism, type I. Last evaluated: 2021-10-18. Review status: criteria provided, single submitter. Criteria: ACMG Guidelines, 2015. Collection method: clinical testing. Allele origin: maternal. Affected: yes.

Literature cited by the submitters: PubMed 16199547 (cited by Labcorp Genetics (formerly Invitae), Labcorp); PubMed 15965158 (cited by Labcorp Genetics (formerly Invitae), Labcorp); PubMed 18978956 (cited by Labcorp Genetics (formerly Invitae), Labcorp); PubMed 19390656 (cited by Labcorp Genetics (formerly Invitae), Labcorp); PubMed 21541274 (cited by Labcorp Genetics (formerly Invitae), Labcorp); PubMed 26160353 (cited by Labcorp Genetics (formerly Invitae), Labcorp); PubMed 28211458 (cited by Labcorp Genetics (formerly Invitae), Labcorp); PubMed 34838614 (cited by Labcorp Genetics (formerly Invitae), Labcorp); PubMed 35052368 (cited by Labcorp Genetics (formerly Invitae), Labcorp).

NM_000273.3(GPR143):c.360+2T>C

Gene: GPR143 (G protein-coupled receptor 143; minus strand). Cytogenetic location: Xp22.2.
Variant type: single nucleotide variant.
Coding change: c.360+2T>C on transcript NM_000273.3 (MANE Select); the canonical splice donor site of the intron after coding-DNA position 360, T replaced by C.
Molecular consequence: splice donor variant.
Genome position (GRCh38, 1-based): chrX:9,760,715, A>G on the plus strand (T>C on the coding strand, the complement: GPR143 is on the minus strand). VCF-style: chrX-9760715-A-G. GRCh37 (hg19) VCF-style: chrX-9728755-A-G.
Identifiers: ClinVar variation 1308636 (VCV001308636.3), dbSNP rs2146700764, ClinGen allele CA411999021.